The following is an entry in ClinVar:

NM_153717.3(EVC):c.2525G>A (p.Gly842Asp)

Gene: EVC (EvC ciliary complex subunit 1; plus strand). Cytogenetic location: 4p16.2.
Variant type: single nucleotide variant.
Coding change: c.2525G>A on transcript NM_153717.3 (MANE Select); coding-DNA position 2525, G replaced by A.
Protein change: p.Gly842Asp; replaces glycine 842 with aspartic acid.
Molecular consequence: missense variant.
Genome position (GRCh38, 1-based): chr4:5,804,805, G>A. VCF-style: chr4-5804805-G-A. GRCh37 (hg19) VCF-style: chr4-5806532-G-A.
Other names: c.2525G>A, p.Gly842Asp (NM_001306090.2); c.2525G>A (NM_153717.2); short protein forms G842D.
Identifiers: ClinVar variation 2194033 (VCV002194033.2), dbSNP rs768398433, ClinGen allele CA2836557.
Genomic context (GRCh38, chr4:5,804,805, plus strand): 5'-ATTACAAACTGCGGAAAAAGCAAGAACTCAGCAACCCTTCGTCGGGCAGCAGGACGGCAG[G>A]TGGCGCTCATGAGACCTCCCAGGCGGTCCACCAGAGGTGAGGTCCCAACTGAGGTCCCAC-3'
Protein context (NP_714928.1, residues 832-852): SNPSSGSRTA[Gly842Asp]GAHETSQAVH

ClinVar aggregate classification (germline): Uncertain significance. Review status: criteria provided, multiple submitters, no conflicts (2 of 4 stars). 2 submissions from 2 submitters: Uncertain significance (2). Last evaluated 2022-11-08.

Conditions:
Ellis-van Creveld syndrome (EVC). Also called: EVC-Related Ellis-van Creveld Syndrome; EVC2-Related Ellis-van Creveld Syndrome; Chondroectodermal dysplasia; MESOECTODERMAL DYSPLASIA. Identifiers: Orphanet 289, MedGen C0013903, MONDO:0009162, OMIM 225500.
Curry-Hall syndrome (WAD). Also called: WEYERS ACRODENTAL DYSOSTOSIS. Identifiers: Orphanet 952, MedGen C0457013, MONDO:0008673, OMIM 193530.
Inborn genetic diseases. Identifiers: MedGen C0950123, MeSH D030342.

Allele frequency attached by ClinVar (database versions not stated): ExAC 0.00001; gnomAD 0.00001; TOPMed 0.00002.
gnomAD v4.1: 4 of 1,614,038 alleles (0.00025%); highest among the groups gnomAD compares: African/African-American, 0.0053%; no homozygotes.

Submissions (2):

Ambry Genetics
Classification: Uncertain significance for Inborn genetic diseases. Last evaluated: 2022-11-08. Review status: criteria provided, single submitter. Criteria: Ambry Variant Classification Scheme 2023. Collection method: clinical testing. Allele origin: germline.

Labcorp Genetics (formerly Invitae), Labcorp
Classification: Uncertain significance for Curry-Hall syndrome; Ellis-van Creveld syndrome. Last evaluated: 2022-10-13. Review status: criteria provided, single submitter. Criteria: Invitae Variant Classification Sherloc (09022015). Collection method: clinical testing. Allele origin: germline.
Comment: This sequence change replaces glycine, which is neutral and non-polar, with aspartic acid, which is acidic and polar, at codon 842 of the EVC protein (p.Gly842Asp). This variant is present in population databases (rs768398433, gnomAD 0.007%). This variant has not been reported in the literature in individuals affected with EVC-related conditions. Advanced modeling of protein sequence and biophysical properties (such as structural, functional, and spatial information, amino acid conservation, physicochemical variation, residue mobility, and thermodynamic stability) performed at Invitae indicates that this missense variant is not expected to disrupt EVC protein function. In summary, the available evidence is currently insufficient to determine the role of this variant in disease. Therefore, it has been classified as a Variant of Uncertain Significance.